The following is an entry in ClinVar:

ClinVar aggregate classification (germline): Uncertain significance (1 of 4 stars; one submission).

Allele frequency attached by ClinVar (database versions not stated): gnomAD 0.00001; TOPMed 0.00001; ExAC 0.00002; gnomAD exomes 0.00002.
gnomAD v4.1: 10 of 1,612,026 alleles (0.00062%); highest among the groups gnomAD compares: Admixed American, 0.01%; no homozygotes.

Submission:

Labcorp Genetics (formerly Invitae), Labcorp
Classification: Uncertain significance. Last evaluated: 2025-12-13. Review status: criteria provided, single submitter. Criteria: Invitae Variant Classification Sherloc (09022015). Collection method: clinical testing. Allele origin: germline.
Comment: This sequence change replaces arginine, which is basic and polar, with tryptophan, which is neutral and slightly polar, at codon 801 of the EMC1 protein (p.Arg801Trp). This variant is present in population databases (rs764292055, gnomAD 0.009%). This variant has not been reported in the literature in individuals affected with EMC1-related conditions. ClinVar contains an entry for this variant (Variation ID: 1364187). Invitae Evidence Modeling of protein sequence and biophysical properties (such as structural, functional, and spatial information, amino acid conservation, physicochemical variation, residue mobility, and thermodynamic stability) indicates that this missense variant is expected to disrupt EMC1 protein function with a positive predictive value of 80%. In summary, the available evidence is currently insufficient to determine the role of this variant in disease. Therefore, it has been classified as a Variant of Uncertain Significance.

NM_015047.3(EMC1):c.2401C>T (p.Arg801Trp)

Genes: EMC1 (ER membrane protein complex subunit 1; minus strand), EMC1-AS1 (EMC1 antisense RNA 1; plus strand). Cytogenetic location: 1p36.13.
Variant type: single nucleotide variant.
Coding change: c.2401C>T on transcript NM_015047.3 (MANE Select); coding-DNA position 2401, C replaced by T.
Protein change: p.Arg801Trp; replaces arginine 801 with tryptophan.
Molecular consequence: missense variant.
Genome position (GRCh38, 1-based): chr1:19,222,810, G>A on the plus strand (C>T on the coding strand, the complement: EMC1 is on the minus strand). VCF-style: chr1-19222810-G-A. GRCh37 (hg19) VCF-style: chr1-19549304-G-A.
Other names: c.2398C>T, p.Arg800Trp (NM_001271427.2, NM_001271428.2); c.2335C>T, p.Arg779Trp (NM_001271429.2); c.2410C>T, p.Arg804Trp (NM_001375820.1); c.2407C>T, p.Arg803Trp (NM_001375821.1); short protein forms R800W, R801W, R779W, R803W, R804W.
Identifiers: ClinVar variation 1364187 (VCV001364187.6), dbSNP rs764292055, ClinGen allele CA652286.
Genomic context (GRCh38, chr1:19,222,810, plus strand): 5'-CGGTGGCGTTGTATTGCTCAGTGCCCTCATAGAGCTCCAGTACGGTAAACTCGTTGCGCC[G>A]AGCCTTGGTGTTCCAGTACTGGTACTGCAGGGATAGGAGGTGGCAGCTCAGGGCTTAGCA-3'
Protein context (NP_055862.1, residues 791-811): VVYQYWNTKA[Arg801Trp]RNEFTVLELY